The following is an entry in ClinVar:

ClinVar aggregate classification (germline): Conflicting classifications of pathogenicity. Review status: criteria provided, conflicting classifications (1 of 4 stars). 3 submissions from 3 submitters: Pathogenic (1); Likely pathogenic (1); Uncertain significance (1). Last evaluated 2025-07-27.

Conditions:
NF1-related disorder. Also called: NF1-related condition. Identifiers: MedGen CN379171.
Neurofibromatosis, type 1 (NF1). Also called: Neurofibromatosis, type I; Peripheral type neurofibromatosis; VON RECKLINGHAUSEN DISEASE; NEUROFIBROMATOSIS, TYPE I, SOMATIC. Identifiers: Orphanet 636, MedGen C0027831, MONDO:0018975, OMIM 162200. Disease mechanism: loss of function.

Allele frequency attached by ClinVar (database versions not stated): TOPMed below 0.00001; gnomAD 0.00001.
gnomAD v4.1: 1 of 1,612,378 alleles (0.000062%); highest among the groups gnomAD compares: Non-Finnish European, 0.000085%; no homozygotes.

Submissions (3):

Labcorp Genetics (formerly Invitae), Labcorp
Classification: Pathogenic for Neurofibromatosis, type 1. Last evaluated: 2025-07-27. Review status: criteria provided, single submitter. Criteria: Invitae Variant Classification Sherloc (09022015). Collection method: clinical testing. Allele origin: germline.
Comment: This sequence change replaces leucine, which is neutral and non-polar, with arginine, which is basic and polar, at codon 414 of the NF1 protein (p.Leu414Arg). This variant is not present in population databases (gnomAD no frequency). This missense change has been observed in individual(s) with neurofibromatosis type 1 (PMID: 16835897). ClinVar contains an entry for this variant (Variation ID: 996451). Invitae Evidence Modeling of protein sequence and biophysical properties (such as structural, functional, and spatial information, amino acid conservation, physicochemical variation, residue mobility, and thermodynamic stability) indicates that this missense variant is expected to disrupt NF1 protein function with a positive predictive value of 95%. This variant disrupts the p.Leu414 amino acid residue in NF1. Other variant(s) that disrupt this residue have been determined to be pathogenic (internal data). This suggests that this residue is clinically significant, and that variants that disrupt this residue are likely to be disease-causing. For these reasons, this variant has been classified as Pathogenic.

Blueprint Genetics
Classification: Likely pathogenic for NF1-related disorders. Last evaluated: 2022-12-07. Review status: criteria provided, single submitter. Criteria: ACMG Guidelines, 2015. Collection method: clinical testing. Allele origin: germline. Affected: yes. Observed: 1 variant allele.

Genome Diagnostics Laboratory, The Hospital for Sick Children
Classification: Uncertain significance for Neurofibromatosis, type 1. Last evaluated: 2020-10-26. Review status: criteria provided, single submitter. Criteria: ACMG Guidelines, 2015. Collection method: clinical testing. Allele origin: germline. Affected: yes.

Literature cited by the submitters: PubMed 16835897 (cited by Labcorp Genetics (formerly Invitae), Labcorp).

NM_001042492.3(NF1):c.1241T>G (p.Leu414Arg)

Gene: NF1 (neurofibromin 1; plus strand). Cytogenetic location: 17q11.2.
Variant type: single nucleotide variant.
Coding change: c.1241T>G on transcript NM_001042492.3 (MANE Select); coding-DNA position 1241, T replaced by G.
Protein change: p.Leu414Arg; replaces leucine 414 with arginine.
Molecular consequence: missense variant.
Genome position (GRCh38, 1-based): chr17:31,201,466, T>G. VCF-style: chr17-31201466-T-G. GRCh37 (hg19) VCF-style: chr17-29528484-T-G.
Other names: c.1241T>G, p.Leu414Arg (NM_000267.4, NM_001128147.3); short protein forms L414R.
Identifiers: ClinVar variation 996451 (VCV000996451.5), dbSNP rs1334926587, ClinGen allele CA398997692.
Genomic context (GRCh38, chr17:31,201,466, plus strand): 5'-TATAGATCTGCCTGGCTCAGAATTCACCTTCTACATTTCACTATGTGCTGGTAAATTCAC[T>G]CCATCGAATCATCACCAATGTAAGTCCAAAAGGTATTGCTAAATTACTAAAAAAATTTTT-3'
Protein context (NP_001035957.1, residues 404-424): STFHYVLVNS[Leu414Arg]HRIITNSALD